The following is an entry in ClinVar:

NM_000064.4(C3):c.1855G>A (p.Val619Met)

Gene: C3 (complement C3; minus strand). Cytogenetic location: 19p13.3.
Variant type: single nucleotide variant.
Coding change: c.1855G>A on transcript NM_000064.4 (MANE Select); coding-DNA position 1855, G replaced by A.
Protein change: p.Val619Met; replaces valine 619 with methionine.
Molecular consequence: missense variant.
Genome position (GRCh38, 1-based): chr19:6,707,920, C>T on the plus strand (G>A on the coding strand, the complement: C3 is on the minus strand). VCF-style: chr19-6707920-C-T. GRCh37 (hg19) VCF-style: chr19-6707931-C-T.
Other names: p.Val619Met; c.1855G>A (LRG_27t1); short protein forms V619M.
Identifiers: ClinVar variation 330316 (VCV000330316.17), dbSNP rs146613648, ClinGen allele CA9129286.
Genomic context (GRCh38, chr19:6,707,920, plus strand): 5'-AGACACCGGCGTAATCCTTCCCACTGCCCGGGGTGCAGCCGATGTCTGCCTTCTCCACCA[C>T]GTCCCAGATCTGCGGGGGGCATAGGGGTGGCGGGACGCAGGGAGGCCAGGCTGACAATTG-3'
Protein context (NP_000055.2, residues 609-629): NKLTQSKIWD[Val619Met]VEKADIGCTP

ClinVar aggregate classification (germline): Conflicting classifications of pathogenicity. Review status: criteria provided, conflicting classifications (1 of 4 stars). 9 submissions from 7 submitters: Uncertain significance (8); Benign (1). Last evaluated 2026-02-01.

Conditions:
C3 glomerulonephritis. Also called: Nephropathy due to CFHR5 Deficiency; C3 GLOMERULOPATHY 3. Identifiers: Orphanet 329931, MedGen C4055342, MONDO:0013892, OMIM 614809.
Kidney disorder. Also called: renal disorder; renal disease; Nephropathy; Kidney disease; Kidney Diseases. Identifiers: MedGen C0022658, MONDO:0005240, HP:0000112.
Complement component 3 deficiency. Identifiers: Orphanet 280133, MedGen C3151071, MONDO:0013417, OMIM 613779.
Atypical hemolytic-uremic syndrome with C3 anomaly. Also called: AHUS, SUSCEPTIBILITY TO, 5. Identifiers: Orphanet 2134, MedGen C2752037, MONDO:0013043, OMIM 612925.
Age related macular degeneration 9. Identifiers: MedGen C1969651, MONDO:0012659, OMIM 611378.

Allele frequency attached by ClinVar (database versions not stated): ESP Exome Variant Server 0.00046; ExAC 0.00029; gnomAD exomes 0.00030; gnomAD 0.00040 and 0.00041; TOPMed 0.00043.
gnomAD v4.1: 1,175 of 1,613,726 alleles (0.073%); highest among the groups gnomAD compares: Non-Finnish European, 0.092%; no homozygotes.

Submissions (9):

Labcorp Genetics (formerly Invitae), Labcorp
Classification: Uncertain significance. Last evaluated: 2026-02-01. Review status: criteria provided, single submitter. Criteria: Invitae Variant Classification Sherloc (09022015). Collection method: clinical testing. Allele origin: germline.
Comment: This sequence change replaces valine, which is neutral and non-polar, with methionine, which is neutral and non-polar, at codon 619 of the C3 protein (p.Val619Met). This variant is present in population databases (rs146613648, gnomAD 0.07%). This missense change has been observed in individual(s) with C3 related conditions (PMID: 29888403, 37369098). ClinVar contains an entry for this variant (Variation ID: 330316). Invitae Evidence Modeling of protein sequence and biophysical properties (such as structural, functional, and spatial information, amino acid conservation, physicochemical variation, residue mobility, and thermodynamic stability) indicates that this missense variant is not expected to disrupt C3 protein function with a negative predictive value of 80%. In summary, the available evidence is currently insufficient to determine the role of this variant in disease. Therefore, it has been classified as a Variant of Uncertain Significance.

Genomenon, Inc
Classification: Uncertain significance for C3 glomerulonephritis. Last evaluated: 2025-09-30. Review status: criteria provided, single submitter. Criteria: Genomenon Sequence Variant Interpretation Standards. Collection method: curation. Allele origin: germline. Affected: yes.
Comment: C3 p.Val619Met (c.1855G>A) is a missense variant that changes the amino acid at residue 619 from Valine to Methionine. This variant has been observed in at least one proband affected with C3 glomerulonephritis (PMID:26895476). It is absent or not present at a significant frequency in gnomAD. In silico models agree that this variant is not damaging. In conclusion, we classify C3 p.Val619Met (c.1855G>A) as a variant of unknown significance.

Blueprint Genetics
Classification: Uncertain significance. Last evaluated: 2024-10-17. Review status: criteria provided, single submitter. Criteria: ACMG Guidelines, 2015. Collection method: clinical testing. Allele origin: germline.

Fulgent Genetics
Classification: Uncertain significance for Age related macular degeneration 9; Atypical hemolytic-uremic syndrome with C3 anomaly; Complement component 3 deficiency. Last evaluated: 2024-06-23. Review status: criteria provided, single submitter. Criteria: ACMG Guidelines, 2015. Collection method: clinical testing. Allele origin: germline.

Mayo Clinic Laboratories, Mayo Clinic
Classification: Uncertain significance. Last evaluated: 2022-03-29. Review status: criteria provided, single submitter. Criteria: ACMG Guidelines, 2015. Collection method: clinical testing. Allele origin: germline. Observed: 1 variant allele.
Comment: BP4

Illumina Laboratory Services, Illumina
Classification: Uncertain significance for Complement component 3 deficiency. Last evaluated: 2018-01-12. Review status: criteria provided, single submitter. Criteria: ICSL Variant Classification Criteria 13 December 2019. Collection method: clinical testing. Allele origin: germline.

Illumina Laboratory Services, Illumina
Classification: Benign for Atypical hemolytic-uremic syndrome with C3 anomaly. Last evaluated: 2018-01-12. Review status: criteria provided, single submitter. Criteria: ICSL Variant Classification Criteria 13 December 2019. Collection method: clinical testing. Allele origin: germline.
Comment: This variant was observed in the ICSL laboratory as part of a predisposition screen in an ostensibly healthy population. It had not been previously curated by ICSL or reported in the Human Gene Mutation Database (HGMD: prior to June 1st, 2018), and was therefore a candidate for classification through an automated scoring system. Utilizing variant allele frequency, disease prevalence and penetrance estimates, and inheritance mode, an automated score was calculated to assess if this variant is too frequent to cause the disease. Based on the score and internal cut-off values, a variant classified as benign is not then subjected to further curation. The score for this variant resulted in a classification of benign for this disease.

Illumina Laboratory Services, Illumina
Classification: Uncertain significance for Age related macular degeneration 9. Last evaluated: 2018-01-12. Review status: criteria provided, single submitter. Criteria: ICSL Variant Classification Criteria 13 December 2019. Collection method: clinical testing. Allele origin: germline.

Genome Diagnostics Laboratory, The Hospital for Sick Children
Classification: Uncertain significance for Kidney disorder. Last evaluated: 2017-12-01. Review status: criteria provided, single submitter. Criteria: ACMG Guidelines, 2015. Collection method: clinical testing. Allele origin: germline.

Literature cited by the submitters: PubMed 29888403 (cited by Labcorp Genetics (formerly Invitae), Labcorp and Mayo Clinic Laboratories, Mayo Clinic); PubMed 37369098 (cited by Labcorp Genetics (formerly Invitae), Labcorp); PubMed 26895476 (cited by Genomenon, Inc).